The following is an entry in ClinVar:

NM_015278.5(SASH1):c.1651T>C (p.Tyr551His)

Gene: SASH1 (SAM and SH3 domain containing 1; plus strand). Cytogenetic location: 6q25.1.
Variant type: single nucleotide variant.
Coding change: c.1651T>C on transcript NM_015278.5 (MANE Select); coding-DNA position 1651, T replaced by C.
Protein change: p.Tyr551His; replaces tyrosine 551 with histidine.
Molecular consequence: missense variant.
Genome position (GRCh38, 1-based): chr6:148,532,883, T>C. VCF-style: chr6-148532883-T-C. GRCh37 (hg19) VCF-style: chr6-148854019-T-C.
Other names: c.1516T>C, p.Tyr506His (NM_001346505.2); c.1279T>C, p.Tyr427His (NM_001346506.2); c.934T>C, p.Tyr312His (NM_001346507.2); c.1423T>C, p.Tyr475His (NM_001346508.2); c.1300T>C, p.Tyr434His (NM_001346509.2); short protein forms Y551H, Y312H, Y427H, Y475H, Y434H, Y506H.
Identifiers: ClinVar variation 624633 (VCV000624633.4), dbSNP rs1562490566, ClinGen allele CA365988330.
Genomic context (GRCh38, chr6:148,532,883, plus strand): 5'-TCCTCAACCAGCAACCGGGAAAGCGTCAAGTCGGAAGATGGGGATGACGAAGAGCCGCCT[T>C]ACCGAGGCCCGTTCTGCGGGCGTGCCAGGGTGCACACCGACTTCACCCCCAGTCCCTATG-3'
Protein context (NP_056093.3, residues 541-561): SEDGDDEEPP[Tyr551His]RGPFCGRARV

ClinVar aggregate classification (germline): Likely pathogenic. Review status: criteria provided, single submitter (1 of 4 stars). 2 submissions from 2 submitters: Likely pathogenic (1). 1 of the submissions does not count toward it. Last evaluated 2019-10-18.

Conditions:
Dyschromatosis universalis hereditaria 1 (DUH1). Identifiers: MedGen C2675711, MONDO:0024524, OMIM 127500.

Submissions (2):

SIB Swiss Institute of Bioinformatics
Classification: Likely pathogenic for Dyschromatosis universalis hereditaria 1. Last evaluated: 2019-10-18. Review status: criteria provided, single submitter. Criteria: ACMG Guidelines, 2015. Collection method: curation. Allele origin: unknown.
Comment: This variant is interpreted as Likely pathogenic for Dyschromatosis universalis hereditaria 1, autosomal dominant. The following ACMG Tag(s) were applied: PM2, PP3, PP1, PM5.

OMIM
Classification: Pathogenic for DYSCHROMATOSIS UNIVERSALIS HEREDITARIA 1. Last evaluated: 2019-06-24. Review status: no assertion criteria provided. Collection method: literature only. Allele origin: germline. Not counted in ClinVar's aggregate classification.

Literature cited by the submitters: PubMed 29956681 (cited by SIB Swiss Institute of Bioinformatics and OMIM).